The following is an entry in ClinVar:

ClinVar aggregate classification (germline): Pathogenic/Likely pathogenic. Review status: criteria provided, multiple submitters, no conflicts (2 of 4 stars). 9 submissions from 9 submitters: Pathogenic (8); Likely pathogenic (1). Last evaluated 2026-09-01.

Conditions:
PCDH19-related disorder. Also called: PCDH19-related condition.
Developmental and epileptic encephalopathy, 9 (DEE9). Also called: JUBERG-HELLMAN SYNDROME; PCDH19-Related X-Linked Female-Limited Epilepsy with Mental Retardation; Early infantile epileptic encephalopathy 9; EPILEPSY, FEMALE-RESTRICTED, WITH MENTAL RETARDATION. Identifiers: Orphanet 101039, Orphanet 2076, MedGen C1848137, MONDO:0010246, OMIM 300088. Disease mechanism: loss of function.
Inborn genetic diseases. Identifiers: MedGen C0950123, MeSH D030342.

Allele frequency attached by ClinVar (database versions not stated): TOPMed below 0.00001; gnomAD 0.00001.
gnomAD v4.1: 1 of 1,210,960 alleles (0.000083%); highest among the groups gnomAD compares: Non-Finnish European, 0.00011%; no homozygotes.

Submissions (9):

CeGaT Center for Human Genetics Tuebingen
Classification: Pathogenic. Last evaluated: 2026-09-01. Review status: criteria provided, single submitter. Criteria: CeGaT Center For Human Genetics Tuebingen Variant Classification Criteria Version 2. Collection method: clinical testing. Allele origin: germline. Affected: yes. Observed: 2 variant alleles.
Comment: PCDH19: PP1:Strong, PS2, PS4, PM2, PM5

Labcorp Genetics (formerly Invitae), Labcorp
Classification: Pathogenic for Developmental and epileptic encephalopathy, 9. Last evaluated: 2025-05-01. Review status: criteria provided, single submitter. Criteria: Invitae Variant Classification Sherloc (09022015). Collection method: clinical testing. Allele origin: germline.
Comment: This sequence change replaces asparagine, which is neutral and polar, with serine, which is neutral and polar, at codon 232 of the PCDH19 protein (p.Asn232Ser). This variant is not present in population databases (gnomAD no frequency). This missense change has been observed in individual(s) with autosomal dominant Dravet syndrome (PMID: 22267240, 22946748, 23808377, 27527380). In at least one individual the variant was observed to be de novo. ClinVar contains an entry for this variant (Variation ID: 206321). Invitae Evidence Modeling of protein sequence and biophysical properties (such as structural, functional, and spatial information, amino acid conservation, physicochemical variation, residue mobility, and thermodynamic stability) indicates that this missense variant is expected to disrupt PCDH19 protein function with a positive predictive value of 95%. For these reasons, this variant has been classified as Pathogenic.

3billion
Classification: Pathogenic for Developmental and epileptic encephalopathy, 9. Last evaluated: 2025-02-21. Review status: criteria provided, single submitter. Criteria: ACMG Guidelines, 2015. Collection method: clinical testing. Allele origin: germline. Affected: yes.
Comment: The variant is observed at an extremely low frequency in the gnomAD v4.1.0 dataset (total allele frequency: <0.001%). Predicted Consequence/Location: Missense variant In silico tool predictions suggest damaging effect of the variant on gene or gene product [REVEL: 0.71 (>=0.6, sensitivity 0.68 and specificity 0.92); 3Cnet: 0.99 (>=0.6, sensitivity 0.72 and precision 0.9)]. The same nucleotide change resulting in the same amino acid change has been previously reported as pathogenic/likely pathogenic with strong evidence (ClinVar ID: VCV000206321 /PMID: 22267240 /3billion dataset). The variant has been previously reported as de novo in a similarly affected individual (PMID: 22946748). Different missense changes at the same codon (p.Asn232Ile, p.Asn232Lys) have been reported as pathogenic/likely pathogenic with strong evidence (ClinVar ID: VCV000159561, VCV000206322, VCV001068161 /PMID: 29064093). Therefore, this variant is classified as Pathogenic according to the recommendation of ACMG/AMP guideline.

GeneDx
Classification: Pathogenic. Last evaluated: 2024-01-31. Review status: criteria provided, single submitter. Criteria: GeneDx Variant Classification Process June 2021. Collection method: clinical testing. Allele origin: germline. Affected: yes.
Comment: Not observed at significant frequency in large population cohorts (gnomAD); Missense variants in this gene are a common cause of disease and they are underrepresented in the general population; In silico analysis supports that this missense variant has a deleterious effect on protein structure/function; This variant is associated with the following publications: (PMID: 22267240, 23808377, 22946748, 27179713, 30451291, 32189863, 34489640, 33262389, 33726816, 35571021, 31440721, 36970538, 36403551, 29377098, 27527380)

Center for Genomics, Ann and Robert H. Lurie Children's Hospital of Chicago
Classification: Pathogenic for Developmental and epileptic encephalopathy, 9. Last evaluated: 2021-11-11. Review status: criteria provided, single submitter. Criteria: ACMG Guidelines, 2015. Collection method: clinical testing. Allele origin: germline.
Comment: PCDH19 NM_001184880.1 exon 1 p.Asn232Ser (c.695A>G): This variant has been reported in the literature in 6 affected individuals with epilepsy, including 3 individuals further characterized with Dravet syndrome (Depienne 2012 PMID:22267240, Marini 2012 PMID:22946748, Gaily 2013 PMID:23808377, Breuillard 2016 PMID:27179713, Liu 2017 PMID:27527380, Smith 2018 PMID:29377098). The variant was reported to be de novo in 4 of these 6 individuals (Marini 2012 PMID:22946748, Gaily 2013 PMID:23808377, Liu 2017 PMID:27527380, Smith 2018 PMID:29377098). This variant is not present in large control databases, and it is present in ClinVar (Variation ID:206321). Evolutionary conservation and computational predictive tools support that this variant may impact the protein. In summary, this variant is classified as pathogenic.

Institute of Human Genetics, University of Leipzig Medical Center
Classification: Likely pathogenic for Developmental and epileptic encephalopathy, 9. Last evaluated: 2020-09-07. Review status: criteria provided, single submitter. Criteria: ACMG Guidelines, 2015. Collection method: clinical testing. Allele origin: unknown. Affected: yes.

Blueprint Genetics
Classification: Pathogenic for PCDH19-related disorders. Last evaluated: 2019-11-11. Review status: criteria provided, single submitter. Criteria: ACMG Guidelines, 2015. Collection method: clinical testing. Allele origin: germline. Affected: yes. Observed: 2 variant alleles.

Revvity Omics, Revvity
Classification: Pathogenic for Developmental and epileptic encephalopathy, 9. Last evaluated: 2019-10-17. Review status: criteria provided, single submitter. Criteria: ACMG Guidelines, 2015. Collection method: clinical testing. Allele origin: germline.

Ambry Genetics
Classification: Pathogenic for Inborn genetic diseases. Last evaluated: 2019-03-06. Review status: criteria provided, single submitter. Criteria: Ambry Variant Classification Scheme 2023. Collection method: clinical testing. Allele origin: germline.
Comment: The p.N232S pathogenic mutation (also known as c.695A>G), located in coding exon 1 of the PCDH19 gene, results from an A to G substitution at nucleotide position 695. The asparagine at codon 232 is replaced by serine, an amino acid with highly similar properties. This alteration has been detected in multiple individuals, as de novo and inherited, in the literature with various seizure types as well as in individuals with clinical diagnoses of PCDH19 related epilepsy and Dravet syndrome (Liu A et al. Clin. Genet., 2017 Jan;91:54-62; Smith L et al. Epilepsia, 2018 Mar;59:679-689; Marini C et al. Epilepsia. 2012;53(12):2111-9; Gaily E et al. Epilepsia. 2013;54(9):1577-85; Breuillard D et al. Epilepsy Behav, 2016 Jul;60:75-80l; Chemaly N et al. Epileptic Disord, 2018 Dec;20:457-467). Based on the supporting evidence, this alteration is interpreted as a disease-causing mutation.

Literature cited by the submitters: PubMed 22267240 (cited by Labcorp Genetics (formerly Invitae), Labcorp and 3billion); PubMed 22946748 (cited by 3 submitters); PubMed 23808377 (cited by Labcorp Genetics (formerly Invitae), Labcorp and Ambry Genetics); PubMed 27527380 (cited by Labcorp Genetics (formerly Invitae), Labcorp and Ambry Genetics); PubMed 29064093 (cited by 3billion); PubMed 27179713 (cited by Ambry Genetics); PubMed 29377098 (cited by Ambry Genetics); PubMed 29933145 (cited by Ambry Genetics); PubMed 30530412 (cited by Ambry Genetics).

NM_001184880.2(PCDH19):c.695A>G (p.Asn232Ser)

Gene: PCDH19 (protocadherin 19; minus strand). Cytogenetic location: Xq22.1.
Variant type: single nucleotide variant.
Coding change: c.695A>G on transcript NM_001184880.2 (MANE Select); coding-DNA position 695, A replaced by G.
Protein change: p.Asn232Ser; replaces asparagine 232 with serine.
Molecular consequence: missense variant.
Genome position (GRCh38, 1-based): chrX:100,407,903, T>C on the plus strand (A>G on the coding strand, the complement: PCDH19 is on the minus strand). VCF-style: chrX-100407903-T-C. GRCh37 (hg19) VCF-style: chrX-99662901-T-C.
Other names: p.N232S:AAT>AGT; c.695A>G, p.Asn232Ser (NM_001105243.2, NM_020766.3); short protein forms N232S.
Identifiers: ClinVar variation 206321 (VCV000206321.39), dbSNP rs587784299, ClinGen allele CA316319.